The following is an entry in ClinVar:

NM_001032386.2(SUOX):c.1201A>G (p.Lys401Glu)

Gene: SUOX (sulfite oxidase; plus strand). Cytogenetic location: 12q13.2.
Variant type: single nucleotide variant.
Coding change: c.1201A>G on transcript NM_001032386.2 (MANE Select); coding-DNA position 1201, A replaced by G.
Protein change: p.Lys401Glu; replaces lysine 401 with glutamic acid.
Molecular consequence: missense variant.
Genome position (GRCh38, 1-based): chr12:56,004,590, A>G. VCF-style: chr12-56004590-A-G. GRCh37 (hg19) VCF-style: chr12-56398374-A-G.
Other names: c.1201A>G, p.Lys401Glu (NM_001032387.2, NM_000456.3); short protein forms K401E.
Identifiers: ClinVar variation 997771 (VCV000997771.3), dbSNP rs1890671244, ClinGen allele CA385292076.

ClinVar aggregate classification (germline): Uncertain significance (0 of 4 stars; one submission).

Conditions:
Sulfite oxidase deficiency. Also called: Isolated sulfite oxidase deficiency. Identifiers: Orphanet 833, Orphanet 99731, MedGen C0268624, MONDO:0010089, OMIM 272300, HP:0003643.

Submission:

Shaanxi Institute for Pediatric Diseases, Xi'an Children's Hospital
Classification: Uncertain significance for Sulfite oxidase deficiency. Last evaluated: 2020-09-01. Review status: no assertion criteria provided. Collection method: research. Allele origin: inherited. Inheritance: Autosomal recessive inheritance. Affected: yes.
Comment: Neither of them has been reported in the literature.